The following is an entry in ClinVar:

NM_015450.3(POT1):c.1373G>A (p.Gly458Asp)

Gene: POT1 (protection of telomeres 1; minus strand). Cytogenetic location: 7q31.33.
Variant type: single nucleotide variant.
Coding change: c.1373G>A on transcript NM_015450.3 (MANE Select); coding-DNA position 1373, G replaced by A.
Protein change: p.Gly458Asp; replaces glycine 458 with aspartic acid.
Molecular consequence: missense variant. On other transcripts: non-coding transcript variant (3).
Genome position (GRCh38, 1-based): chr7:124,835,411, C>T on the plus strand (G>A on the coding strand, the complement: POT1 is on the minus strand). VCF-style: chr7-124835411-C-T. GRCh37 (hg19) VCF-style: chr7-124475465-C-T.
Other names: c.980G>A, p.Gly327Asp (NM_001042594.2); short protein forms G458D, G327D.
Identifiers: ClinVar variation 1443322 (VCV001443322.11), dbSNP rs1562977976, ClinGen allele CA369066070.

ClinVar aggregate classification (germline): Uncertain significance. Review status: criteria provided, multiple submitters, no conflicts (2 of 4 stars). 3 submissions from 3 submitters: Uncertain significance (3). Last evaluated 2024-09-11.

Conditions:
Tumor predisposition syndrome 3 (TPDS3). Also called: LONG TELOMERE SYNDROME, POT1-RELATED; POT1 Tumor Predisposition; Glioma susceptibility 9; Melanoma, cutaneous malignant, susceptibility to, 10. Identifiers: Orphanet 618, MedGen C4014476, MONDO:0014368, OMIM 615848.
Hereditary cancer-predisposing syndrome. Also called: Hereditary Cancer Syndrome; Neoplastic Syndromes, Hereditary; Hereditary neoplastic syndrome; Tumor predisposition. Identifiers: Orphanet 140162, MedGen C0027672, MeSH D009386, MONDO:0015356.

Submissions (3):

GeneDx
Classification: Uncertain significance. Last evaluated: 2024-09-11. Review status: criteria provided, single submitter. Criteria: GeneDx Variant Classification Process June 2021. Collection method: clinical testing. Allele origin: germline. Affected: yes.
Comment: Not observed at significant frequency in large population cohorts (gnomAD); In silico analysis supports that this missense variant has a deleterious effect on protein structure/function; Has not been previously published as pathogenic or benign to our knowledge; This variant is associated with the following publications: (PMID: 28393830)

Ambry Genetics
Classification: Uncertain significance for Hereditary cancer-predisposing syndrome. Last evaluated: 2022-09-25. Review status: criteria provided, single submitter. Criteria: Ambry Variant Classification Scheme 2023. Collection method: clinical testing. Allele origin: germline.
Comment: The p.G458D variant (also known as c.1373G>A), located in coding exon 11 of the POT1 gene, results from a G to A substitution at nucleotide position 1373. The glycine at codon 458 is replaced by aspartic acid, an amino acid with similar properties. This amino acid position is conserved. In addition, the in silico prediction for this alteration is inconclusive. Since supporting evidence is limited at this time, the clinical significance of this alteration remains unclear.

Labcorp Genetics (formerly Invitae), Labcorp
Classification: Uncertain significance for Tumor predisposition syndrome 3. Last evaluated: 2020-12-02. Review status: criteria provided, single submitter. Criteria: Invitae Variant Classification Sherloc (09022015). Collection method: clinical testing. Allele origin: germline.
Comment: This sequence change replaces glycine with aspartic acid at codon 458 of the POT1 protein (p.Gly458Asp). The glycine residue is highly conserved and there is a moderate physicochemical difference between glycine and aspartic acid. This variant is not present in population databases (ExAC no frequency). This variant has not been reported in the literature in individuals with POT1-related conditions. Algorithms developed to predict the effect of missense changes on protein structure and function are either unavailable or do not agree on the potential impact of this missense change (SIFT: "Deleterious"; PolyPhen-2: "Probably Damaging"; Align-GVGD: "Class C15"). In summary, the available evidence is currently insufficient to determine the role of this variant in disease. Therefore, it has been classified as a Variant of Uncertain Significance.